The following is an entry in ClinVar:

ClinVar aggregate classification (germline): Uncertain significance (1 of 4 stars; one submission).

Submission:

GeneDx
Classification: Uncertain significance. Last evaluated: 2022-03-08. Review status: criteria provided, single submitter. Criteria: GeneDx Variant Classification Process June 2021. Collection method: clinical testing. Allele origin: germline. Affected: yes.
Comment: Not observed at significant frequency in large population cohorts (gnomAD); In-frame duplication of 2 amino acids in a repetitive region with no known function; Has not been previously published as pathogenic or benign to our knowledge

NM_014727.3(KMT2B):c.85GGGGGC[3] (p.Gly32_Arg33insGlyGly)

Genes: KMT2B (lysine methyltransferase 2B; plus strand), LOC130064257 (ATAC-STARR-seq lymphoblastoid silent region 10534; plus strand). Cytogenetic location: 19q13.12.
Variant type: Microsatellite.
Coding change: c.85GGGGGC[3] on transcript NM_014727.3 (MANE Select); three copies in a row of the 6-base unit GGGGGC starting at c.85; the reference has two copies in a row; one copy, 6 bases duplicated; also written c.91_96dup.
Protein change: p.Gly32_Arg33insGlyGly.
Molecular consequence: inframe insertion. On other transcripts: inframe indel (2).
Genome position (GRCh38, 1-based): chr19:35,718,109-35,718,114, GGGGGC duplicated; duplicating any 6 consecutive bases within chr19:35,718,100-35,718,114 gives the same sequence; the position shown is the placement nearest the transcript's 3' end. VCF-style (leftmost placement, unchanged base first): chr19-35718099-C-CGGCGGG. GRCh37 (hg19) VCF-style: chr19-36209001-C-CGGCGGG.
Other names: c.85_90GGGGGC[3], p.Gly32_Arg33insGlyGly (NM_014727.2); c.91_96dup (NM_014727.2).
Identifiers: ClinVar variation 1704951 (VCV001704951.2), dbSNP rs1275530480, ClinGen allele CA2333786713.